The following is an entry in ClinVar:

ClinVar aggregate classification (germline): Likely benign (1 of 4 stars; one submission).

Allele frequency attached by ClinVar (database versions not stated): TOPMed 0.00008; gnomAD 0.00012; ExAC 0.00014; 1000 Genomes Project 30x 0.00016; 1000 Genomes Project 0.00020.
gnomAD v4.1: 116 of 1,611,344 alleles (0.0072%); highest among the groups gnomAD compares: Middle Eastern, 0.066%; no homozygotes.

Submission:

CeGaT Center for Human Genetics Tuebingen
Classification: Likely benign. Last evaluated: 2023-11-01. Review status: criteria provided, single submitter. Criteria: CeGaT Center For Human Genetics Tuebingen Variant Classification Criteria Version 2. Collection method: clinical testing. Allele origin: germline. Affected: yes. Observed: 1 variant allele.
Comment: CTU2: BP4

NM_001012759.3(CTU2):c.874-5C>T

Gene: CTU2 (cytosolic thiouridylase subunit 2; plus strand). Cytogenetic location: 16q24.3.
Variant type: single nucleotide variant.
Coding change: c.874-5C>T on transcript NM_001012759.3 (MANE Select); 5 bases into the intron before coding-DNA position 874, C replaced by T.
Molecular consequence: intron variant.
Genome position (GRCh38, 1-based): chr16:88,713,642, C>T. VCF-style: chr16-88713642-C-T. GRCh37 (hg19) VCF-style: chr16-88780050-C-T.
Other names: c.1087-5C>T (NM_001318507.2); c.874-5C>T (NM_001012762.3); c.613-5C>T (NM_001318513.2).
Identifiers: ClinVar variation 2672660 (VCV002672660.23), dbSNP rs111377059, ClinGen allele CA8230629.